The following is an entry in ClinVar:

NM_000260.4(MYO7A):c.4237G>C (p.Val1413Leu)

Gene: MYO7A (myosin VIIA; plus strand). Cytogenetic location: 11q13.5.
Variant type: single nucleotide variant.
Coding change: c.4237G>C on transcript NM_000260.4 (MANE Select); coding-DNA position 4237, G replaced by C.
Protein change: p.Val1413Leu; replaces valine 1413 with leucine.
Molecular consequence: missense variant.
Genome position (GRCh38, 1-based): chr11:77,194,438, G>C. VCF-style: chr11-77194438-G-C. GRCh37 (hg19) VCF-style: chr11-76905483-G-C.
Other names: c.4237G>C, p.Val1413Leu (NM_001127180.2); c.4204G>C, p.Val1402Leu (NM_001369365.1); short protein forms V1402L, V1413L.
Identifiers: ClinVar variation 2151663 (VCV002151663.4), dbSNP rs774086083, ClinGen allele CA381949247.

ClinVar aggregate classification (germline): Uncertain significance (1 of 4 stars; one submission).

gnomAD v4.1: 1 of 1,611,790 alleles (0.000062%); highest among the groups gnomAD compares: Non-Finnish European, 0.000085%; no homozygotes.

Submission:

Labcorp Genetics (formerly Invitae), Labcorp
Classification: Uncertain significance. Last evaluated: 2024-10-25. Review status: criteria provided, single submitter. Criteria: Invitae Variant Classification Sherloc (09022015). Collection method: clinical testing. Allele origin: germline.
Comment: This sequence change replaces valine, which is neutral and non-polar, with leucine, which is neutral and non-polar, at codon 1413 of the MYO7A protein (p.Val1413Leu). This variant is not present in population databases (gnomAD no frequency). This variant has not been reported in the literature in individuals affected with MYO7A-related conditions. ClinVar contains an entry for this variant (Variation ID: 2151663). Invitae Evidence Modeling of protein sequence and biophysical properties (such as structural, functional, and spatial information, amino acid conservation, physicochemical variation, residue mobility, and thermodynamic stability) indicates that this missense variant is not expected to disrupt MYO7A protein function with a negative predictive value of 95%. In summary, the available evidence is currently insufficient to determine the role of this variant in disease. Therefore, it has been classified as a Variant of Uncertain Significance.